The following is an entry in ClinVar:

NM_152268.4(PARS2):c.1370T>C (p.Val457Ala)

Gene: PARS2 (prolyl-tRNA synthetase 2, mitochondrial; minus strand). Cytogenetic location: 1p32.3.
Variant type: single nucleotide variant.
Coding change: c.1370T>C on transcript NM_152268.4 (MANE Select); coding-DNA position 1370, T replaced by C.
Protein change: p.Val457Ala; replaces valine 457 with alanine.
Molecular consequence: missense variant.
Genome position (GRCh38, 1-based): chr1:54,757,792, A>G on the plus strand (T>C on the coding strand, the complement: PARS2 is on the minus strand). VCF-style: chr1-54757792-A-G. GRCh37 (hg19) VCF-style: chr1-55223465-A-G.
Other names: short protein forms V457A.
Identifiers: ClinVar variation 1929974 (VCV001929974.5), dbSNP rs2524472899, ClinGen allele CA340456225.

ClinVar aggregate classification (germline): Uncertain significance (1 of 4 stars; one submission).

Submission:

Labcorp Genetics (formerly Invitae), Labcorp
Classification: Uncertain significance. Last evaluated: 2022-06-17. Review status: criteria provided, single submitter. Criteria: Invitae Variant Classification Sherloc (09022015). Collection method: clinical testing. Allele origin: germline.
Comment: This sequence change replaces valine, which is neutral and non-polar, with alanine, which is neutral and non-polar, at codon 457 of the PARS2 protein (p.Val457Ala). This variant is not present in population databases (gnomAD no frequency). This variant has not been reported in the literature in individuals affected with PARS2-related conditions. Algorithms developed to predict the effect of missense changes on protein structure and function output the following: SIFT: "Tolerated"; PolyPhen-2: "Benign"; Align-GVGD: "Class C0". The alanine amino acid residue is found in multiple mammalian species, which suggests that this missense change does not adversely affect protein function. In summary, the available evidence is currently insufficient to determine the role of this variant in disease. Therefore, it has been classified as a Variant of Uncertain Significance.